The following is an entry in ClinVar:

NM_014270.5(SLC7A9):c.512G>A (p.Arg171Gln)

Gene: SLC7A9 (solute carrier family 7 member 9; minus strand). Cytogenetic location: 19q13.11.
Variant type: single nucleotide variant.
Coding change: c.512G>A on transcript NM_014270.5 (MANE Select); coding-DNA position 512, G replaced by A.
Protein change: p.Arg171Gln; replaces arginine 171 with glutamine.
Molecular consequence: missense variant.
Genome position (GRCh38, 1-based): chr19:32,862,553, C>T on the plus strand (G>A on the coding strand, the complement: SLC7A9 is on the minus strand). VCF-style: chr19-32862553-C-T. GRCh37 (hg19) VCF-style: chr19-33353459-C-T.
Other names: c.512G>A, p.Arg171Gln (NM_001126335.2, NM_001243036.2); c.512G>A (NM_014270.4); short protein forms R171Q.
Identifiers: ClinVar variation 2436076 (VCV002436076.7), dbSNP rs376464389, ClinGen allele CA9358800.

ClinVar aggregate classification (germline): Uncertain significance. Review status: criteria provided, multiple submitters, no conflicts (2 of 4 stars). 3 submissions from 3 submitters: Uncertain significance (3). Last evaluated 2026-05-26.

Conditions:
SLC7A9-related disorder. Also called: SLC7A9-related condition.
Cystinuria (CSNU). Also called: CYSTINURIA, TYPE I; CYSTINURIA, TYPE II; CYSTINURIA, TYPE III; Cystinuria, non-type I. Identifiers: Orphanet 214, MedGen C0010691, MONDO:0009067, OMIM 220100, HP:0003131.

Allele frequency attached by ClinVar (database versions not stated): gnomAD exomes 0.00003; ExAC 0.00007; gnomAD 0.00008; TOPMed 0.00008; ESP Exome Variant Server 0.00015; 1000 Genomes Project 30x 0.00016; 1000 Genomes Project 0.00020.
gnomAD v4.1: 53 of 1,613,964 alleles (0.0033%); highest among the groups gnomAD compares: Admixed American, 0.012%; no homozygotes.

Submissions (3):

PreventionGenetics, part of Exact Sciences
Classification: Uncertain significance for SLC7A9-related condition. Last evaluated: 2026-05-26. Review status: criteria provided, single submitter. Criteria: ACMG Guidelines, 2015. Collection method: clinical testing. Allele origin: germline.
Comment: The SLC7A9 c.512G>A variant is predicted to result in the amino acid substitution p.Arg171Gln. To our knowledge, this variant has not been reported in the literature. This variant is reported in 0.011% of alleles in individuals of Latino descent in gnomAD. At this time, the clinical significance of this variant is uncertain due to the absence of conclusive functional and genetic evidence.

Labcorp Genetics (formerly Invitae), Labcorp
Classification: Uncertain significance. Last evaluated: 2023-12-25. Review status: criteria provided, single submitter. Criteria: Invitae Variant Classification Sherloc (09022015). Collection method: clinical testing. Allele origin: germline.
Comment: This sequence change replaces arginine, which is basic and polar, with glutamine, which is neutral and polar, at codon 171 of the SLC7A9 protein (p.Arg171Gln). This variant is present in population databases (rs376464389, gnomAD 0.01%). This variant has not been reported in the literature in individuals affected with SLC7A9-related conditions. ClinVar contains an entry for this variant (Variation ID: 2436076). Advanced modeling of protein sequence and biophysical properties (such as structural, functional, and spatial information, amino acid conservation, physicochemical variation, residue mobility, and thermodynamic stability) performed at Invitae indicates that this missense variant is not expected to disrupt SLC7A9 protein function with a negative predictive value of 80%. This variant disrupts the p.Arg171 amino acid residue in SLC7A9. Other variant(s) that disrupt this residue have been determined to be pathogenic (PMID: 25109415, 28646536). This suggests that this residue is clinically significant, and that variants that disrupt this residue are likely to be disease-causing. In summary, the available evidence is currently insufficient to determine the role of this variant in disease. Therefore, it has been classified as a Variant of Uncertain Significance.

Revvity Omics, Revvity
Classification: Uncertain significance for Cystinuria. Last evaluated: 2021-09-14. Review status: criteria provided, single submitter. Criteria: ACMG Guidelines, 2015. Collection method: clinical testing. Allele origin: germline.

Literature cited by the submitters: PubMed 25109415 (cited by Labcorp Genetics (formerly Invitae), Labcorp); PubMed 28646536 (cited by Labcorp Genetics (formerly Invitae), Labcorp).